The following is an entry in ClinVar:

NM_003873.7(NRP1):c.1076A>T (p.Lys359Met)

Gene: NRP1 (neuropilin 1; minus strand). Cytogenetic location: 10p11.22.
Variant type: single nucleotide variant.
Coding change: c.1076A>T on transcript NM_003873.7 (MANE Select); coding-DNA position 1076, A replaced by T.
Protein change: p.Lys359Met; replaces lysine 359 with methionine.
Molecular consequence: missense variant. On other transcripts: non-coding transcript variant (1).
Genome position (GRCh38, 1-based): chr10:33,226,195, T>A on the plus strand (A>T on the coding strand, the complement: NRP1 is on the minus strand). VCF-style: chr10-33226195-T-A. GRCh37 (hg19) VCF-style: chr10-33515123-T-A.
Other names: c.1076A>T, p.Lys359Met (NM_001024628.3, NM_001024629.3, NM_001244972.2 and 2 more transcripts); short protein forms K359M.
Identifiers: ClinVar variation 2493504 (VCV002493504.3), dbSNP rs149966206, ClinGen allele CA5466743.
Genomic context (GRCh38, chr10:33,226,195, plus strand): 5'-ACAGGTTTGTTTCCTTCTTTTATGGTGATCCAGTCTTCCCCGTTGGAGCTAACGTCGATC[T>A]TGTAAGTCTTGACATAATATTTCTTCTTGGTTTCTTTTGAAATGGCGCCCTGTGTCCCGA-3'
Protein context (NP_003864.5, residues 349-369): TKKKYYVKTY[Lys359Met]IDVSSNGEDW

ClinVar aggregate classification (germline): Uncertain significance. Review status: criteria provided, multiple submitters, no conflicts (2 of 4 stars). 2 submissions from 2 submitters: Uncertain significance (2). Last evaluated 2026-07-28.

Conditions:
NRP1-related disorder. Also called: NRP1-related condition.

Allele frequency attached by ClinVar (database versions not stated): gnomAD exomes below 0.00001; ExAC 0.00003; gnomAD 0.00004; TOPMed 0.00007; ESP Exome Variant Server 0.00008.

Submissions (2):

PreventionGenetics, part of Exact Sciences
Classification: Uncertain significance for NRP1-related condition. Last evaluated: 2026-07-28. Review status: criteria provided, single submitter. Criteria: ACMG Guidelines, 2015. Collection method: clinical testing. Allele origin: germline.
Comment: The NRP1 c.1076A>T variant is predicted to result in the amino acid substitution p.Lys359Met. To our knowledge, this variant has not been reported in the literature in individuals with NRP1-related obesity. This variant is reported in 0.032% of alleles in individuals of African descent in gnomAD. At this time, the clinical significance of this variant is uncertain due to the absence of conclusive functional and genetic evidence.

Ambry Genetics
Classification: Uncertain significance. Last evaluated: 2023-03-02. Review status: criteria provided, single submitter. Criteria: Ambry Variant Classification Scheme 2023. Collection method: clinical testing. Allele origin: germline.